The following is an entry in ClinVar:

NM_007294.4(BRCA1):c.5400T>A (p.Leu1800=)

Gene: BRCA1 (BRCA1 DNA repair associated; minus strand). Cytogenetic location: 17q21.31.
Variant type: single nucleotide variant.
Coding change: c.5400T>A on transcript NM_007294.4 (MANE Select); coding-DNA position 5400, T replaced by A.
Protein change: p.Leu1800=; no amino-acid change (leucine 1800 retained).
Molecular consequence: synonymous variant. On other transcripts: intron variant (19).
Genome position (GRCh38, 1-based): chr17:43,049,127, A>T on the plus strand (T>A on the coding strand, the complement: BRCA1 is on the minus strand). VCF-style: chr17-43049127-A-T. GRCh37 (hg19) VCF-style: chr17-41201144-A-T.
Other names: c.5187T>A, p.Leu1729= (NM_001407571.1, NM_001407894.1, NM_001407895.1 and 12 more transcripts); c.5466T>A, p.Leu1822= (NM_001407581.1, NM_001407582.1); c.5463T>A, p.Leu1821= (NM_001407583.1, NM_001407585.1, NM_001407587.1 and 1 more transcripts); c.5460T>A, p.Leu1820= (NM_001407590.1, NM_001407591.1); c.5400T>A, p.Leu1800= (NM_001407593.1, NM_001407594.1, NM_001407596.1 and 5 more transcripts); c.5397T>A, p.Leu1799= (NM_001407610.1, NM_001407611.1, NM_001407612.1 and 14 more transcripts); c.5394T>A, p.Leu1798= (NM_001407627.1, NM_001407628.1, NM_001407629.1 and 13 more transcripts); c.5391T>A, p.Leu1797= (NM_001407644.1, NM_001407645.1); and 84 more.
Identifiers: ClinVar variation 865421 (VCV000865421.3), dbSNP rs2051073782, ClinGen allele CA500143279.

Conditions:
Breast-ovarian cancer, familial, susceptibility to, 1 (BROVCA1). Also called: BRCA1 Hereditary Breast and Ovarian Cancer; OVARIAN CANCER, SUSCEPTIBILITY TO. Identifiers: Orphanet 145, MedGen C2676676, MONDO:0011450, OMIM 604370. Disease mechanism: loss of function.

Submission:

Brotman Baty Institute, University of Washington
No classification provided (evidence only). Condition: Breast-ovarian cancer, familial 1. Review status: no classification provided. Collection method: in vitro. Allele origin: not applicable. Functional consequence: functionally_normal.
ClinVar note: "not provided" was previously submitted as the classification for the variant. However, the classification appeared to be based only on an observation of functional data so it was converted to no classification on 2025-07-30.